The following is an entry in ClinVar:

ClinVar aggregate classification (germline): Uncertain significance. Review status: criteria provided, multiple submitters, no conflicts (2 of 4 stars). 2 submissions from 2 submitters: Uncertain significance (2). Last evaluated 2025-04-02.

Allele frequency attached by ClinVar (database versions not stated): ESP Exome Variant Server 0.00015.
gnomAD v4.1: 34 of 1,599,930 alleles (0.0021%); highest among the groups gnomAD compares: Admixed American, 0.0051%; no homozygotes.

Submissions (2):

Ambry Genetics
Classification: Uncertain significance. Last evaluated: 2025-04-02. Review status: criteria provided, single submitter. Criteria: Ambry Variant Classification Scheme 2023. Collection method: clinical testing. Allele origin: germline.

Labcorp Genetics (formerly Invitae), Labcorp
Classification: Uncertain significance. Last evaluated: 2024-04-18. Review status: criteria provided, single submitter. Criteria: Invitae Variant Classification Sherloc (09022015). Collection method: clinical testing. Allele origin: germline.
Comment: This sequence change replaces arginine, which is basic and polar, with cysteine, which is neutral and slightly polar, at codon 180 of the SLC25A32 protein (p.Arg180Cys). This variant is present in population databases (rs374025789, gnomAD 0.006%). This variant has not been reported in the literature in individuals affected with SLC25A32-related conditions. ClinVar contains an entry for this variant (Variation ID: 1419872). Advanced modeling of protein sequence and biophysical properties (such as structural, functional, and spatial information, amino acid conservation, physicochemical variation, residue mobility, and thermodynamic stability) performed at Invitae indicates that this missense variant is not expected to disrupt SLC25A32 protein function with a negative predictive value of 80%. Algorithms developed to predict the effect of sequence changes on RNA splicing suggest that this variant may disrupt the consensus splice site. In summary, the available evidence is currently insufficient to determine the role of this variant in disease. Therefore, it has been classified as a Variant of Uncertain Significance.

NM_030780.5(SLC25A32):c.538C>T (p.Arg180Cys)

Gene: SLC25A32 (solute carrier family 25 member 32; minus strand). Cytogenetic location: 8q22.3.
Variant type: single nucleotide variant.
Coding change: c.538C>T on transcript NM_030780.5 (MANE Select); coding-DNA position 538, C replaced by T.
Protein change: p.Arg180Cys; replaces arginine 180 with cysteine.
Molecular consequence: missense variant. On other transcripts: non-coding transcript variant (2).
Genome position (GRCh38, 1-based): chr8:103,403,178, G>A on the plus strand (C>T on the coding strand, the complement: SLC25A32 is on the minus strand). VCF-style: chr8-103403178-G-A. GRCh37 (hg19) VCF-style: chr8-104415406-G-A.
Other names: c.538C>T (NM_030780.3); short protein forms R180C.
Identifiers: ClinVar variation 1419872 (VCV001419872.7), dbSNP rs374025789, ClinGen allele CA4835454.